The following is an entry in ClinVar:

NM_001014987.2(LAT):c.467C>T (p.Pro156Leu)

Gene: LAT (linker for activation of T cells; plus strand). Cytogenetic location: 16p11.2.
Variant type: single nucleotide variant.
Coding change: c.467C>T on transcript NM_001014987.2 (MANE Select); coding-DNA position 467, C replaced by T.
Protein change: p.Pro156Leu; replaces proline 156 with leucine.
Molecular consequence: missense variant.
Genome position (GRCh38, 1-based): chr16:28,986,867, C>T. VCF-style: chr16-28986867-C-T. GRCh37 (hg19) VCF-style: chr16-28998188-C-T.
Other names: c.464C>T, p.Pro155Leu (NM_001014988.2); c.575C>T, p.Pro192Leu (NM_001014989.2); c.554C>T, p.Pro185Leu (NM_014387.4); short protein forms P185L, P155L, P156L, P192L.
Identifiers: ClinVar variation 2131801 (VCV002131801.4), dbSNP rs2506684804, ClinGen allele CA395442762.
Genomic context (GRCh38, chr16:28,986,867, plus strand): 5'-TTCCTGACAGCACCCCGGCCACTAGCACTGCTGCCCCATCAGCTCCTGCACTCAGCACCC[C>T]TGGCATCCGAGACAGTGCCTTCTCCAGTGAGTCAGGCATTTGTTTTTATTTTTAAATTTT-3'
Protein context (NP_001014987.1, residues 146-166): AAPSAPALST[Pro156Leu]GIRDSAFSME

ClinVar aggregate classification (germline): Uncertain significance (1 of 4 stars; one submission).

Submission:

Labcorp Genetics (formerly Invitae), Labcorp
Classification: Uncertain significance. Last evaluated: 2022-04-29. Review status: criteria provided, single submitter. Criteria: Invitae Variant Classification Sherloc (09022015). Collection method: clinical testing. Allele origin: germline.
Comment: This sequence change replaces proline, which is neutral and non-polar, with leucine, which is neutral and non-polar, at codon 156 of the LAT protein (p.Pro156Leu). This variant is not present in population databases (gnomAD no frequency). This variant has not been reported in the literature in individuals affected with LAT-related conditions. Algorithms developed to predict the effect of missense changes on protein structure and function are either unavailable or do not agree on the potential impact of this missense change (SIFT: "Deleterious"; PolyPhen-2: "Benign"; Align-GVGD: "Class C65"). In summary, the available evidence is currently insufficient to determine the role of this variant in disease. Therefore, it has been classified as a Variant of Uncertain Significance.